The following is an entry in ClinVar:

NM_002470.4(MYH3):c.5099G>A (p.Arg1700Gln)

Gene: MYH3 (myosin heavy chain 3; minus strand). Cytogenetic location: 17p13.1.
Variant type: single nucleotide variant.
Coding change: c.5099G>A on transcript NM_002470.4 (MANE Select); coding-DNA position 5099, G replaced by A.
Protein change: p.Arg1700Gln; replaces arginine 1700 with glutamine.
Molecular consequence: missense variant.
Genome position (GRCh38, 1-based): chr17:10,631,874, C>T on the plus strand (G>A on the coding strand, the complement: MYH3 is on the minus strand). VCF-style: chr17-10631874-C-T. GRCh37 (hg19) VCF-style: chr17-10535191-C-T.
Other names: short protein forms R1700Q.
Identifiers: ClinVar variation 3400776 (VCV003400776.2).
Genomic context (GRCh38, chr17:10,631,874, plus strand): 5'-TGGGTATGCAGCAGCTGCACCCTCTCGTTGGAGTCCAGGAGCTCCTGTTCCGCCAGTTTC[C>T]GGGCCCTCTCCGTCTGCTCCAGAGTAGCCCGCAGCTCCTCCACCTCGGCCTGCAGCAGGT-3'
Protein context (NP_002461.2, residues 1690-1710): RATLEQTERA[Arg1700Gln]KLAEQELLDS

ClinVar aggregate classification (germline): Uncertain significance. Review status: criteria provided, multiple submitters, no conflicts (2 of 4 stars). 2 submissions from 2 submitters: Uncertain significance (2). Last evaluated 2025-10-09.

Conditions:
Inborn genetic diseases. Identifiers: MedGen C0950123, MeSH D030342.

gnomAD v4.1: 24 of 1,614,128 alleles (0.0015%); highest among the groups gnomAD compares: East Asian, 0.011%; no homozygotes.

Submissions (2):

Labcorp Genetics (formerly Invitae), Labcorp
Classification: Uncertain significance. Last evaluated: 2025-10-09. Review status: criteria provided, single submitter. Criteria: Invitae Variant Classification Sherloc (09022015). Collection method: clinical testing. Allele origin: germline.
Comment: This sequence change replaces arginine, which is basic and polar, with glutamine, which is neutral and polar, at codon 1700 of the MYH3 protein (p.Arg1700Gln). This variant is present in population databases (rs747006068, gnomAD 0.02%). This variant has not been reported in the literature in individuals affected with MYH3-related conditions. ClinVar contains an entry for this variant (Variation ID: 3400776). Invitae Evidence Modeling of protein sequence and biophysical properties (such as structural, functional, and spatial information, amino acid conservation, physicochemical variation, residue mobility, and thermodynamic stability) indicates that this missense variant is not expected to disrupt MYH3 protein function with a negative predictive value of 95%. In summary, the available evidence is currently insufficient to determine the role of this variant in disease. Therefore, it has been classified as a Variant of Uncertain Significance.

Ambry Genetics
Classification: Uncertain significance for Inborn genetic diseases. Last evaluated: 2024-10-01. Review status: criteria provided, single submitter. Criteria: Ambry Variant Classification Scheme 2023. Collection method: clinical testing. Allele origin: germline.